The following is an entry in ClinVar:

ClinVar aggregate classification (germline): Conflicting classifications of pathogenicity. Review status: criteria provided, conflicting classifications (1 of 4 stars). 2 submissions from 2 submitters: Uncertain significance (1); Likely benign (1). Last evaluated 2024-11-11.

Conditions:
Hereditary cancer-predisposing syndrome. Also called: Hereditary Cancer Syndrome; Neoplastic Syndromes, Hereditary; Tumor predisposition; Hereditary neoplastic syndrome. Identifiers: Orphanet 140162, MedGen C0027672, MeSH D009386, MONDO:0015356.

gnomAD v4.1: 1 of 1,613,666 alleles (0.000062%); highest among the groups gnomAD compares: Non-Finnish European, 0.000085%; no homozygotes.

Submissions (2):

Ambry Genetics
Classification: Uncertain significance for Hereditary cancer-predisposing syndrome. Last evaluated: 2024-11-11. Review status: criteria provided, single submitter. Criteria: Ambry Variant Classification Scheme 2023. Collection method: clinical testing. Allele origin: germline.
Comment: The p.V2050A variant (also known as c.6149T>C), located in coding exon 10 of the BRCA2 gene, results from a T to C substitution at nucleotide position 6149. The valine at codon 2050 is replaced by alanine, an amino acid with similar properties. This amino acid position is not well conserved in available vertebrate species. In addition, this alteration is predicted to be tolerated by in silico analysis. Since supporting evidence is limited at this time, the clinical significance of this alteration remains unclear.

University of Washington Department of Laboratory Medicine, University of Washington
Classification: Likely benign for Hereditary cancer-predisposing syndrome. Last evaluated: 2023-03-23. Review status: criteria provided, single submitter. Criteria: Dines et al. (Genet Med. 2020). Collection method: curation. Allele origin: germline.
Comment: Missense variant in a coldspot region where missense variants are very unlikely to be pathogenic (PMID:31911673).

BRCA2 exon 11 coldspot. Reclassification based on statistical prior probability.

NM_000059.4(BRCA2):c.6149T>C (p.Val2050Ala)

Gene: BRCA2 (BRCA2 DNA repair associated; plus strand). Cytogenetic location: 13q13.1.
Variant type: single nucleotide variant.
Coding change: c.6149T>C on transcript NM_000059.4 (MANE Select); coding-DNA position 6149, T replaced by C.
Protein change: p.Val2050Ala; replaces valine 2050 with alanine.
Molecular consequence: missense variant.
Genome position (GRCh38, 1-based): chr13:32,340,504, T>C. VCF-style: chr13-32340504-T-C. GRCh37 (hg19) VCF-style: chr13-32914641-T-C.
Other names: short protein forms V2050A.
Identifiers: ClinVar variation 480897 (VCV000480897.8), dbSNP rs767873595, ClinGen allele CA387788278.
Genomic context (GRCh38, chr13:32,340,504, plus strand): 5'-ATACTGCTATACGTACTCCAGAACATTTAATATCCCAAAAAGGCTTTTCATATAATGTGG[T>C]AAATTCATCTGCTTTCTCTGGATTTAGTACAGCAAGTGGAAAGCAAGTTTCCATTTTAGA-3'
Protein context (NP_000050.3, residues 2040-2060): ISQKGFSYNV[Val2050Ala]NSSAFSGFST